The following is an entry in ClinVar:

NM_002519.3(NPAT):c.3092G>T (p.Ser1031Ile)

Gene: NPAT (nuclear protein, coactivator of histone transcription; minus strand). Cytogenetic location: 11q22.3.
Variant type: single nucleotide variant.
Coding change: c.3092G>T on transcript NM_002519.3 (MANE Select); coding-DNA position 3092, G replaced by T.
Protein change: p.Ser1031Ile; replaces serine 1031 with isoleucine.
Molecular consequence: missense variant.
Genome position (GRCh38, 1-based): chr11:108,161,994, C>A on the plus strand (G>T on the coding strand, the complement: NPAT is on the minus strand). VCF-style: chr11-108161994-C-A. GRCh37 (hg19) VCF-style: chr11-108032721-C-A.
Other names: c.3113G>T, p.Ser1038Ile (NM_001321307.1); short protein forms S1038I, S1031I.
Identifiers: ClinVar variation 3300628 (VCV003300628.1).

ClinVar aggregate classification (germline): Uncertain significance (1 of 4 stars; one submission).

gnomAD v4.1: 2 of 1,608,480 alleles (0.00012%); highest among the groups gnomAD compares: African/African-American, 0.0027%; no homozygotes.

Submission:

Ambry Genetics
Classification: Uncertain significance. Last evaluated: 2024-05-24. Review status: criteria provided, single submitter. Criteria: Ambry Variant Classification Scheme 2023. Collection method: clinical testing. Allele origin: germline.
Comment: The p.S1031I variant (also known as c.3092G>T), located in coding exon 17 of the NPAT gene, results from a G to T substitution at nucleotide position 3092. The serine at codon 1031 is replaced by isoleucine, an amino acid with dissimilar properties. This amino acid position is conserved. In addition, this alteration is predicted to be tolerated by in silico analysis. Based on the available evidence, the clinical significance of this variant remains unclear.